The following is an entry in ClinVar:

ClinVar aggregate classification (germline): Conflicting classifications of pathogenicity. Review status: criteria provided, conflicting classifications (1 of 4 stars). 14 submissions from 10 submitters: Uncertain significance (4); Benign (4); Likely benign (3). 3 of the submissions do not count toward it. Last evaluated 2026-01-26.

Conditions:
TTN-related disorder. Also called: TTN-related disorders; TTN-related condition; TTN-related disease.
Cardiovascular phenotype. Identifiers: MedGen CN230736.
Dilated cardiomyopathy 1G (CMD1G). Identifiers: Orphanet 154, MedGen C1858763, MONDO:0011400, OMIM 604145.
Autosomal recessive limb-girdle muscular dystrophy type 2J (LGMDR10). Also called: MUSCULAR DYSTROPHY, LIMB-GIRDLE, AUTOSOMAL RECESSIVE 10; Limb-girdle muscular dystrophy, type 2J. Identifiers: Orphanet 140922, MedGen C1837342, MONDO:0012127, OMIM 608807.
Myopathy, myofibrillar, 9, with early respiratory failure (MFM9). Also called: Hereditary myopathy with early respiratory failure; EDSTROM MYOPATHY; Myopathy, distal, with early respiratory failure, autosomal dominant; MYOPATHY, PROXIMAL, WITH EARLY RESPIRATORY MUSCLE INVOLVEMENT. Identifiers: Orphanet 178464, Orphanet 34521, MedGen C1863599, MONDO:0011362, OMIM 603689.
Early-onset myopathy with fatal cardiomyopathy (CMYO5). Also called: CONGENITAL MYOPATHY 5 WITH CARDIOMYOPATHY; Salih Myopathy. Identifiers: Orphanet 289377, MedGen C2673677, MONDO:0012714, OMIM 611705. Disease mechanism: loss of function.
Tibial muscular dystrophy (TMD). Also called: Udd Distal Myopathy – Tibial Muscular Dystrophy; Tibial muscular dystrophy, tardive; UDD MYOPATHY. Identifiers: Orphanet 609, MedGen C1838244, MONDO:0010870, OMIM 600334.

Allele frequency attached by ClinVar (database versions not stated): 1000 Genomes Project 0.00060; gnomAD 0.00011 and 0.00017; gnomAD exomes 0.00016 and 0.00046; 1000 Genomes Project 30x 0.00047; TOPMed 0.00037; ExAC 0.00052.
gnomAD v4.1: 264 of 1,613,516 alleles (0.016%); highest among the groups gnomAD compares: East Asian, 0.44%; no homozygotes.

Submissions (14):

Labcorp Genetics (formerly Invitae), Labcorp
Classification: Benign for Dilated cardiomyopathy 1G; Autosomal recessive limb-girdle muscular dystrophy type 2J. Last evaluated: 2026-01-26. Review status: criteria provided, single submitter. Criteria: Invitae Variant Classification Sherloc (09022015). Collection method: clinical testing. Allele origin: germline.

CeGaT Center for Human Genetics Tuebingen
Classification: Uncertain significance. Last evaluated: 2025-07-01. Review status: criteria provided, single submitter. Criteria: CeGaT Center For Human Genetics Tuebingen Variant Classification Criteria Version 2. Collection method: clinical testing. Allele origin: germline. Affected: yes. Observed: 1 variant allele.
Comment: TTN: PM2

Blueprint Genetics
Classification: Likely benign. Last evaluated: 2024-11-04. Review status: criteria provided, single submitter. Criteria: ACMG Guidelines, 2015. Collection method: clinical testing. Allele origin: germline.

GeneDx
Classification: Likely benign. Last evaluated: 2019-06-26. Review status: criteria provided, single submitter. Criteria: GeneDx Variant Classification Process June 2021. Collection method: clinical testing. Allele origin: germline. Affected: yes.

Ambry Genetics
Classification: Benign for Cardiovascular phenotype. Last evaluated: 2019-04-01. Review status: criteria provided, single submitter. Criteria: Ambry Variant Classification Scheme 2023. Collection method: clinical testing. Allele origin: germline.

Illumina Laboratory Services, Illumina
Classification: Benign for Tibial muscular dystrophy. Last evaluated: 2017-04-27. Review status: criteria provided, single submitter. Criteria: ICSL Variant Classification Criteria 13 December 2019. Collection method: clinical testing. Allele origin: germline.
Comment: This variant was observed as part of a predisposition screen in an ostensibly healthy population. A literature search was performed for the gene, cDNA change, and amino acid change (where applicable). No publications were found based on this search. Allele frequency data from public databases was too high to be consistent with this variant causing disease. Therefore, this variant is classified as benign.

Illumina Laboratory Services, Illumina
Classification: Uncertain significance for Autosomal recessive limb-girdle muscular dystrophy type 2J. Last evaluated: 2017-04-27. Review status: criteria provided, single submitter. Criteria: ICSL Variant Classification Criteria 13 December 2019. Collection method: clinical testing. Allele origin: germline.

Illumina Laboratory Services, Illumina
Classification: Likely benign for Dilated cardiomyopathy 1G. Last evaluated: 2017-04-27. Review status: criteria provided, single submitter. Criteria: ICSL Variant Classification Criteria 13 December 2019. Collection method: clinical testing. Allele origin: germline.
Comment: This variant was observed as part of a predisposition screen in an ostensibly healthy population. A literature search was performed for the gene, cDNA change, and amino acid change (where applicable). No publications were found based on this search. Allele frequency data from public databases allowed determination this variant is unlikely to cause disease. Therefore, this variant is classified as likely benign.

Illumina Laboratory Services, Illumina
Classification: Uncertain significance for Early-onset myopathy with fatal cardiomyopathy. Last evaluated: 2017-04-27. Review status: criteria provided, single submitter. Criteria: ICSL Variant Classification Criteria 13 December 2019. Collection method: clinical testing. Allele origin: germline.

Illumina Laboratory Services, Illumina
Classification: Benign for Myopathy, myofibrillar, 9, with early respiratory failure. Last evaluated: 2017-04-27. Review status: criteria provided, single submitter. Criteria: ICSL Variant Classification Criteria 13 December 2019. Collection method: clinical testing. Allele origin: germline.
Comment: the same text as in the submission from Illumina Laboratory Services, Illumina above.

Eurofins Ntd Llc (ga)
Classification: Uncertain significance. Last evaluated: 2013-12-18. Review status: criteria provided, single submitter. Criteria: EGL Classification Definitions 2015. Collection method: clinical testing. Allele origin: germline. Observed: 2 variant alleles, 2 heterozygotes.

PreventionGenetics, part of Exact Sciences
Classification: Likely benign for TTN-related condition. Last evaluated: 2024-06-03. Review status: no assertion criteria provided. Collection method: clinical testing. Allele origin: germline. Not counted in ClinVar's aggregate classification.
Comment: This variant is classified as likely benign based on ACMG/AMP sequence variant interpretation guidelines (Richards et al. 2015 PMID: 25741868, with internal and published modifications).

Clinical Genetics, Academic Medical Center
Classification: Benign. Review status: no assertion criteria provided. Collection method: clinical testing. Allele origin: germline. Affected: yes. Study: VKGL Data-share Consensus. Not counted in ClinVar's aggregate classification.

Genome Diagnostics Laboratory, University Medical Center Utrecht
Classification: Likely benign. Review status: no assertion criteria provided. Collection method: clinical testing. Allele origin: germline. Affected: yes. Study: VKGL Data-share Consensus. Not counted in ClinVar's aggregate classification.

NM_001267550.2(TTN):c.80554C>T (p.Arg26852Cys)

Genes: TTN (titin; minus strand), TTN-AS1 (TTN antisense RNA 1; plus strand). Cytogenetic location: 2q31.2.
Variant type: single nucleotide variant.
Coding change: c.80554C>T on transcript NM_001267550.2 (MANE Select); coding-DNA position 80554, C replaced by T.
Protein change: p.Arg26852Cys; replaces arginine 26852 with cysteine.
Molecular consequence: missense variant.
Genome position (GRCh38, 1-based): chr2:178,565,578, G>A on the plus strand (C>T on the coding strand, the complement: TTN is on the minus strand). VCF-style: chr2-178565578-G-A. GRCh37 (hg19) VCF-style: chr2-179430305-G-A.
Other names: p.R25211C:CGT>TGT; c.53359C>T, p.Arg17787Cys (NM_003319.4); c.75631C>T, p.Arg25211Cys (NM_001256850.1); c.72850C>T, p.Arg24284Cys (NM_133378.4); c.53734C>T, p.Arg17912Cys (NM_133432.3); c.53935C>T, p.Arg17979Cys (NM_133437.4); short protein forms R26852C, R25211C, R17912C, R17979C, R17787C.
Identifiers: ClinVar variation 167766 (VCV000167766.31), dbSNP rs185887755, ClinGen allele CA295646.